The following is an entry in ClinVar:

NM_170601.5(SIAE):c.879C>A (p.Phe293Leu)

Gene: SIAE (sialic acid acetylesterase; minus strand). Cytogenetic location: 11q24.2.
Variant type: single nucleotide variant.
Coding change: c.879C>A on transcript NM_170601.5 (MANE Select); coding-DNA position 879, C replaced by A.
Protein change: p.Phe293Leu; replaces phenylalanine 293 with leucine.
Molecular consequence: missense variant.
Genome position (GRCh38, 1-based): chr11:124,647,452, G>T on the plus strand (C>A on the coding strand, the complement: SIAE is on the minus strand). VCF-style: chr11-124647452-G-T. GRCh37 (hg19) VCF-style: chr11-124517348-G-T.
Other names: c.774C>A, p.Phe258Leu (NM_001199922.2); short protein forms F258L, F293L.
Identifiers: ClinVar variation 3664534 (VCV003664534.2).

ClinVar aggregate classification (germline): Uncertain significance (1 of 4 stars; one submission).

Submission:

Labcorp Genetics (formerly Invitae), Labcorp
Classification: Uncertain significance. Last evaluated: 2024-09-04. Review status: criteria provided, single submitter. Criteria: Invitae Variant Classification Sherloc (09022015). Collection method: clinical testing. Allele origin: germline.
Comment: This sequence change replaces phenylalanine, which is neutral and non-polar, with leucine, which is neutral and non-polar, at codon 293 of the SIAE protein (p.Phe293Leu). This variant is not present in population databases (gnomAD no frequency). This variant has not been reported in the literature in individuals affected with SIAE-related conditions. An algorithm developed to predict the effect of missense changes on protein structure and function (PolyPhen-2) suggests that this variant is likely to be disruptive. In summary, the available evidence is currently insufficient to determine the role of this variant in disease. Therefore, it has been classified as a Variant of Uncertain Significance.